The following is an entry in ClinVar:

NM_000059.4(BRCA2):c.9207T>C (p.Cys3069=)

Gene: BRCA2 (BRCA2 DNA repair associated; plus strand). Cytogenetic location: 13q13.1.
Variant type: single nucleotide variant.
Coding change: c.9207T>C on transcript NM_000059.4 (MANE Select); coding-DNA position 9207, T replaced by C.
Protein change: p.Cys3069=; no amino-acid change (cysteine 3069 retained).
Molecular consequence: synonymous variant.
Genome position (GRCh38, 1-based): chr13:32,380,096, T>C. VCF-style: chr13-32380096-T-C. GRCh37 (hg19) VCF-style: chr13-32954233-T-C.
Identifiers: ClinVar variation 232494 (VCV000232494.7), dbSNP rs80359183, ClinGen allele CA10579816.

ClinVar aggregate classification (germline): Likely benign. Review status: reviewed by expert panel (3 of 4 stars). 2 submissions from 2 submitters: Likely benign (1). 1 of the submissions does not count toward it. Last evaluated 2017-06-29.

Conditions:
Hereditary cancer-predisposing syndrome. Also called: Hereditary Cancer Syndrome; Neoplastic Syndromes, Hereditary; Tumor predisposition; Hereditary neoplastic syndrome. Identifiers: Orphanet 140162, MedGen C0027672, MeSH D009386, MONDO:0015356.
Breast-ovarian cancer, familial, susceptibility to, 2 (BROVCA2). Also called: BRCA2 Hereditary Breast and Ovarian Cancer. Identifiers: Orphanet 145, MedGen C2675520, MONDO:0012933, OMIM 612555. Disease mechanism: loss of function.

Submissions (2):

Evidence-based Network for the Interpretation of Germline Mutant Alleles (ENIGMA)
Classification: Likely benign for Breast-ovarian cancer, familial, susceptibility to, 2. Last evaluated: 2017-06-29. Review status: reviewed by expert panel. Criteria: ENIGMA BRCA1/2 Classification Criteria (2017-06-29). Collection method: curation. Allele origin: germline.
Comment: Synonymous substitution variant, with low bioinformatic likelihood to result in a splicing aberration (Splicing prior probability 0.02).

Ambry Genetics
Classification: Likely benign for Hereditary cancer-predisposing syndrome. Last evaluated: 2015-06-16. Review status: criteria provided, single submitter. Criteria: Ambry Variant Classification Scheme 2023. Collection method: clinical testing. Allele origin: germline. Not counted in ClinVar's aggregate classification.